The following is an entry in ClinVar:

ClinVar aggregate classification (germline): Uncertain significance (1 of 4 stars; one submission).

Conditions:
Dilated cardiomyopathy 1II (CMD1II). Identifiers: Orphanet 154, MedGen C3554649, MONDO:0014073, OMIM 615184.

Allele frequency attached by ClinVar (database versions not stated): gnomAD exomes below 0.00001.
gnomAD v4.1: 1 of 1,614,220 alleles (0.000062%); highest among the groups gnomAD compares: Non-Finnish European, 0.000085%; no homozygotes.

Submission:

Labcorp Genetics (formerly Invitae), Labcorp
Classification: Uncertain significance for Dilated cardiomyopathy 1II. Last evaluated: 2023-11-25. Review status: criteria provided, single submitter. Criteria: Invitae Variant Classification Sherloc (09022015). Collection method: clinical testing. Allele origin: germline.
Comment: This sequence change replaces valine, which is neutral and non-polar, with glutamic acid, which is acidic and polar, at codon 97 of the CRYAB protein (p.Val97Glu). This variant is not present in population databases (gnomAD no frequency). This variant has not been reported in the literature in individuals affected with CRYAB-related conditions. An algorithm developed to predict the effect of missense changes on protein structure and function (PolyPhen-2) suggests that this variant is likely to be tolerated. In summary, the available evidence is currently insufficient to determine the role of this variant in disease. Therefore, it has been classified as a Variant of Uncertain Significance.

NM_001289808.2(CRYAB):c.290T>A (p.Val97Glu)

Gene: CRYAB (crystallin alpha B; minus strand). Cytogenetic location: 11q23.1.
Variant type: single nucleotide variant.
Coding change: c.290T>A on transcript NM_001289808.2 (MANE Select); coding-DNA position 290, T replaced by A.
Protein change: p.Val97Glu; replaces valine 97 with glutamic acid.
Molecular consequence: missense variant.
Genome position (GRCh38, 1-based): chr11:111,910,361, A>T on the plus strand (T>A on the coding strand, the complement: CRYAB is on the minus strand). VCF-style: chr11-111910361-A-T. GRCh37 (hg19) VCF-style: chr11-111781085-A-T.
Other names: c.290T>A, p.Val97Glu (NM_001289807.1, NM_001368245.1, NM_001885.3); c.89T>A, p.Val30Glu (NM_001330379.1, NM_001368246.1); short protein forms V30E, V97E.
Identifiers: ClinVar variation 2698125 (VCV002698125.3), dbSNP rs2497880531, ClinGen allele CA382599159.
Genomic context (GRCh38, chr11:111,910,361, plus strand): 5'-AGAAAACAAAAAAACAAGCTACATACCTGGCGCTCTTCATGTTTTCCATGCACCTCAATC[A>T]CATCTCCCAACACCTTAACTTTGAGTTCCTCTGGGGAGAAGTGCTTCACATCCAGGTTGA-3'
Protein context (NP_001276737.1, residues 87-107): EELKVKVLGD[Val97Glu]IEVHGKHEER